The following is an entry in ClinVar:

ClinVar aggregate classification (germline): Likely pathogenic (1 of 4 stars; one submission).

Conditions:
Spermatogenic failure 100. Identifiers: MedGen C6012726, MONDO:0978302, OMIM 621209.

gnomAD v4.1: 1 of 1,551,006 alleles (0.000064%); highest among the groups gnomAD compares: East Asian, 0.0024%; no homozygotes.

Submission:

Juno Genomics, Hangzhou Juno Genomics, Inc
Classification: Likely pathogenic for Spermatogenic failure 100. Review status: criteria provided, single submitter. Criteria: ACMG Guidelines, 2015. Collection method: clinical testing. Allele origin: germline.
Comment: Absent from controls (or at extremely low frequency if recessive) in Genome Aggregation Database.;Null variant in a gene where loss of function (LOF) is a known mechanism of disease.

NM_001366028.2(DNAH12):c.4338C>G (p.Tyr1446Ter)

Gene: DNAH12 (dynein axonemal heavy chain 12; minus strand). Cytogenetic location: 3p14.3.
Variant type: single nucleotide variant.
Coding change: c.4338C>G on transcript NM_001366028.2 (MANE Select); coding-DNA position 4338, C replaced by G.
Protein change: p.Tyr1446Ter; replaces tyrosine 1446 with a stop codon.
Molecular consequence: nonsense.
Genome position (GRCh38, 1-based): chr3:57,445,261, G>C on the plus strand (C>G on the coding strand, the complement: DNAH12 is on the minus strand). VCF-style: chr3-57445261-G-C. GRCh37 (hg19) VCF-style: chr3-57430988-G-C.
Other names: short protein forms Y1446*.
Identifiers: ClinVar variation 5018563 (VCV005018563.2).
Genomic context (GRCh38, chr3:57,445,261, plus strand): 5'-TTTTAGTTTTAGATTGCCAGCAGCCACTAAAACGGCTTTTACTGCTCGCATTCCATAGTC[G>C]TAATGAAATTGCGATGAGAGCTGCTCTGAGCAAAGCCTATAGGTCATTACTATTTTCACA-3'